The following is an entry in ClinVar:

ClinVar aggregate classification (germline): Conflicting classifications of pathogenicity. Review status: criteria provided, conflicting classifications (1 of 4 stars). 10 submissions from 8 submitters: Uncertain significance (3); Benign (3); Likely benign (4). Last evaluated 2025-12-09.

Conditions:
Arrhythmogenic right ventricular dysplasia 8 (ARVD8). Also called: ARRHYTHMOGENIC RIGHT VENTRICULAR CARDIOMYOPATHY 8; ARRHYTHMOGENIC RIGHT VENTRICULAR DYSPLASIA, FAMILIAL, 8; Arrhythmogenic Right Ventricular Dysplasia/Cardiomyopathy 8. Identifiers: MedGen C1843896, MONDO:0011831, OMIM 607450.
Arrhythmogenic cardiomyopathy with wooly hair and keratoderma. Also called: Carvajal syndrome; PALMOPLANTAR KERATODERMA WITH LEFT VENTRICULAR CARDIOMYOPATHY AND WOOLLY HAIR; Arrhythmogenic cardiomyopathy with woolly hair and keratoderma; Dilated cardiomyopathy with woolly hair and keratoderma. Identifiers: Orphanet 65282, MedGen C1854063, MONDO:0011581, OMIM 605676.
Cardiomyopathy (CMYO). Also called: Cardiomyopathies. Identifiers: Orphanet 167848, MedGen C0878544, MONDO:0004994, HP:0001638. Inheritance: Various modes of inheritance.
DSP-related disorder. Also called: DSP-related disorders; DSP-related condition.
Cardiovascular phenotype. Identifiers: MedGen CN230736.
Lethal acantholytic epidermolysis bullosa (EBLA). Identifiers: Orphanet 158687, MedGen C1864826, MONDO:0012323, OMIM 609638.
Woolly hair-skin fragility syndrome (WHSF). Identifiers: Orphanet 293165, MedGen C1843292, MONDO:0957307, OMIM 620415.

Allele frequency attached by ClinVar (database versions not stated): gnomAD 0.00005 and 0.00013; TOPMed 0.00010; gnomAD exomes 0.00013; ExAC 0.00016; 1000 Genomes Project 30x 0.00031; 1000 Genomes Project 0.00040.
gnomAD v4.1: 467 of 1,614,088 alleles (0.029%); highest among the groups gnomAD compares: East Asian, 1%; 8 homozygotes.

Submissions (10):

Labcorp Genetics (formerly Invitae), Labcorp
Classification: Benign for Arrhythmogenic cardiomyopathy with wooly hair and keratoderma; Arrhythmogenic right ventricular dysplasia 8. Last evaluated: 2025-12-09. Review status: criteria provided, single submitter. Criteria: Invitae Variant Classification Sherloc (09022015). Collection method: clinical testing. Allele origin: germline.

PreventionGenetics, part of Exact Sciences
Classification: Likely benign for DSP-related condition. Last evaluated: 2025-08-28. Review status: criteria provided, single submitter. Criteria: ACMG Guidelines, 2015. Collection method: clinical testing. Allele origin: germline.
Comment: This variant is classified as likely benign based on ACMG/AMP sequence variant interpretation guidelines (Richards et al. 2015 PMID: 25741868, with internal and published modifications).

All of Us Research Program, National Institutes of Health
Classification: Benign for Arrhythmogenic cardiomyopathy with wooly hair and keratoderma. Last evaluated: 2024-01-05. Review status: criteria provided, single submitter. Criteria: ACMG Guidelines, 2015. Collection method: clinical testing. Allele origin: germline. Inheritance: Autosomal dominant inheritance. Observed: 24 variant alleles, 24 heterozygotes.
Comment: This study involves interpretation of variants in research participants for the purpose of population health screening. Participant phenotype was not available at the time of variant classification. Additional details can be found in publication PMID: 35346344, PMCID: PMC8962531

Women's Health and Genetics/Laboratory Corporation of America, LabCorp
Classification: Likely benign. Last evaluated: 2023-05-22. Review status: criteria provided, single submitter. Criteria: LabCorp Variant Classification Summary - May 2015. Collection method: clinical testing. Allele origin: germline.

GeneDx
Classification: Likely benign. Last evaluated: 2020-12-16. Review status: criteria provided, single submitter. Criteria: GeneDx Variant Classification Process June 2021. Collection method: clinical testing. Allele origin: germline. Affected: yes.

Ambry Genetics
Classification: Likely benign for Cardiovascular phenotype. Last evaluated: 2020-01-31. Review status: criteria provided, single submitter. Criteria: Ambry Variant Classification Scheme 2023. Collection method: clinical testing. Allele origin: germline.

Color Diagnostics, LLC DBA Color Health
Classification: Benign for Cardiomyopathy. Last evaluated: 2018-09-17. Review status: criteria provided, single submitter. Criteria: ACMG Guidelines, 2015. Collection method: clinical testing. Allele origin: germline.

Illumina Laboratory Services, Illumina
Classification: Uncertain significance for Lethal acantholytic epidermolysis bullosa. Last evaluated: 2018-01-13. Review status: criteria provided, single submitter. Criteria: ICSL Variant Classification Criteria 13 December 2019. Collection method: clinical testing. Allele origin: germline.

Illumina Laboratory Services, Illumina
Classification: Uncertain significance for Arrhythmogenic right ventricular dysplasia 8. Last evaluated: 2018-01-13. Review status: criteria provided, single submitter. Criteria: ICSL Variant Classification Criteria 13 December 2019. Collection method: clinical testing. Allele origin: germline.

Illumina Laboratory Services, Illumina
Classification: Uncertain significance for Arrhythmogenic cardiomyopathy with wooly hair and keratoderma. Last evaluated: 2018-01-13. Review status: criteria provided, single submitter. Criteria: ICSL Variant Classification Criteria 13 December 2019. Collection method: clinical testing. Allele origin: germline.

NM_004415.4(DSP):c.2247A>G (p.Leu749=)

Gene: DSP (desmoplakin; plus strand). Cytogenetic location: 6p24.3.
Variant type: single nucleotide variant.
Coding change: c.2247A>G on transcript NM_004415.4 (MANE Select); coding-DNA position 2247, A replaced by G.
Protein change: p.Leu749=; no amino-acid change (leucine 749 retained).
Molecular consequence: synonymous variant.
Genome position (GRCh38, 1-based): chr6:7,574,202, A>G. VCF-style: chr6-7574202-A-G. GRCh37 (hg19) VCF-style: chr6-7574435-A-G.
Other names: c.2247A>G (LRG_423t1, NM_004415.3); c.2247A>G, p.Leu749= (NM_001008844.3, NM_001319034.2).
Identifiers: ClinVar variation 357942 (VCV000357942.24), dbSNP rs28763963, ClinGen allele CA032278.
Genomic context (GRCh38, chr6:7,574,202, plus strand): 5'-GCTTGCCAACTTCAGAGGTTCTGAAAAGTACTGCTATTTACAGAATGAAGTATTTGGACT[A>G]TTTCAGAAACTGGAAAATATCAATGGTGTTACAGATGGCTACTTAAATAGGTAAACTCAG-3'
Protein context (NP_004406.2, residues 739-759): YCYLQNEVFG[Leu749=]FQKLENINGV